The following is an entry in ClinVar:

NM_005366.5(MAGEA11):c.267-5C>T

Gene: MAGEA11 (MAGE family member A11; plus strand). Cytogenetic location: Xq28.
Variant type: single nucleotide variant.
Coding change: c.267-5C>T on transcript NM_005366.5 (MANE Select); 5 bases into the intron before coding-DNA position 267, C replaced by T.
Molecular consequence: intron variant.
Genome position (GRCh38, 1-based): chrX:149,715,748, C>T. VCF-style: chrX-149715748-C-T. GRCh37 (hg19) VCF-style: chrX-148797408-C-T.
Other names: c.180-5C>T (NM_001011544.2).
Identifiers: ClinVar variation 3049970 (VCV003049970.2), dbSNP rs200012022, ClinGen allele CA10538130.

ClinVar aggregate classification (germline): Likely benign (0 of 4 stars; one submission).

Conditions:
MAGEA11-related disorder. Also called: MAGEA11-related condition.

Allele frequency attached by ClinVar (database versions not stated): 1000 Genomes Project 0.00026; 1000 Genomes Project 30x 0.00042; TOPMed 0.00063; gnomAD 0.00078; gnomAD exomes 0.00079; ESP Exome Variant Server 0.00095; ExAC 0.00107.
gnomAD v4.1: 960 of 1,200,313 alleles (0.08%); highest among the groups gnomAD compares: Middle Eastern, 0.56%; no homozygotes.

Submission:

PreventionGenetics, part of Exact Sciences
Classification: Likely benign for MAGEA11-related condition. Last evaluated: 2019-07-12. Review status: no assertion criteria provided. Collection method: clinical testing. Allele origin: germline.
Comment: This variant is classified as likely benign based on ACMG/AMP sequence variant interpretation guidelines (Richards et al. 2015 PMID: 25741868, with internal and published modifications).